The following is an entry in ClinVar:

NM_001369369.1(FOXN1):c.713G>A (p.Gly238Asp)

Gene: FOXN1 (forkhead box N1; plus strand). Cytogenetic location: 17q11.2.
Variant type: single nucleotide variant.
Coding change: c.713G>A on transcript NM_001369369.1 (MANE Select); coding-DNA position 713, G replaced by A.
Protein change: p.Gly238Asp; replaces glycine 238 with aspartic acid.
Molecular consequence: missense variant.
Genome position (GRCh38, 1-based): chr17:28,529,107, G>A. VCF-style: chr17-28529107-G-A. GRCh37 (hg19) VCF-style: chr17-26856125-G-A.
Other names: NM_001369369.1(FOXN1):c.713G>A; p.Gly238Asp; c.713G>A, p.Gly238Asp (NM_003593.3); short protein forms G238D.
Identifiers: ClinVar variation 756390 (VCV000756390.11), dbSNP rs188424977, ClinGen allele CA8459324.

ClinVar aggregate classification (germline): Likely benign. Review status: reviewed by expert panel (3 of 4 stars). 2 submissions from 2 submitters: Likely benign (1). 1 of the submissions does not count toward it. Last evaluated 2024-07-29.

Conditions:
T-cell immunodeficiency, congenital alopecia, and nail dystrophy. Also called: Congenital alopecia and nail dystrophy associated with severe functional T-cell immunodeficiency; Pignata Guarino syndrome. Identifiers: Orphanet 169095, MedGen C1866426, MONDO:0011132, OMIM 601705.

Allele frequency attached by ClinVar (database versions not stated): gnomAD 0.00008 and 0.00010; gnomAD exomes 0.00010 and 0.00030; TOPMed 0.00022; ExAC 0.00026; 1000 Genomes Project 30x 0.00031; 1000 Genomes Project 0.00040.
gnomAD v4.1: 171 of 1,614,156 alleles (0.011%); highest among the groups gnomAD compares: East Asian, 0.34%; no homozygotes.

Submissions (2):

ClinGen Severe Combined Immunodeficiency Variant Curation Expert Panel, ClinGen
Classification: Likely benign for T-cell immunodeficiency, congenital alopecia, and nail dystrophy. Last evaluated: 2024-07-29. Review status: reviewed by expert panel. Criteria: ClinGen SCID ACMG Specifications FOXN1 V1.0.0. Collection method: curation. Allele origin: germline. Inheritance: Semidominant inheritance.
Comment: The NM_001369369.1(FOXN1):c.713G>A (p.Gly238Asp) missense variant has a gnomADv2.1.1 PopMax filtering AF of 0.003236, based on 75/19954 alleles in the East Asian population, which is above the >0.00141 threshold for BS1. Expression vectors containing Foxn1 variants were transfected into HeLa cells along with the β5t-luciferase reporter construct, a well-defined transcriptional target of Foxn1. This variant resulted in 105% activity in the reporter assay compared to WT (PMID: 37419334). After a comprehensive literature search, the variant has not been identified in any individuals with T-cell immunodeficiency, congenital alopecia, and nail dystrophy. In summary, this variant meets criteria to be classified as likely benign for semidominant T-cell immunodeficiency, congenital alopecia, and nail dystrophy based on the ACMG/AMP criteria applied, as specified by the ClinGen SCID VCEP: BS1.

Labcorp Genetics (formerly Invitae), Labcorp
Classification: Likely benign for T-cell immunodeficiency, congenital alopecia, and nail dystrophy. Last evaluated: 2026-02-02. Review status: criteria provided, single submitter. Criteria: Invitae Variant Classification Sherloc (09022015). Collection method: clinical testing. Allele origin: germline. Not counted in ClinVar's aggregate classification.